The following is an entry in ClinVar:

ClinVar aggregate classification (germline): Uncertain significance. Review status: criteria provided, multiple submitters, no conflicts (2 of 4 stars). 3 submissions from 3 submitters: Uncertain significance (3). Last evaluated 2023-10-25.

Conditions:
Familial temporal lobe epilepsy 8. Identifiers: Orphanet 101046, MedGen C4225318, MONDO:0014650, OMIM 616461.

Allele frequency attached by ClinVar (database versions not stated): gnomAD exomes below 0.00001 and 0.00002; TOPMed below 0.00001; gnomAD 0.00001; ExAC 0.00002; 1000 Genomes Project 30x 0.00016; 1000 Genomes Project 0.00020.

Submissions (3):

Department of Pathology and Laboratory Medicine, Sinai Health System
Classification: Uncertain significance for Familial temporal lobe epilepsy 8. Last evaluated: 2023-10-25. Review status: criteria provided, single submitter. Criteria: ACMG Guidelines, 2015. Collection method: research. Allele origin: germline.

Ambry Genetics
Classification: Uncertain significance. Last evaluated: 2021-10-12. Review status: criteria provided, single submitter. Criteria: Ambry Variant Classification Scheme 2023. Collection method: clinical testing. Allele origin: germline.

Labcorp Genetics (formerly Invitae), Labcorp
Classification: Uncertain significance for Familial temporal lobe epilepsy 8. Last evaluated: 2018-02-15. Review status: criteria provided, single submitter. Criteria: Invitae Variant Classification Sherloc (09022015). Collection method: clinical testing. Allele origin: germline.
Comment: This sequence change replaces leucine with phenylalanine at codon 60 of the GAL protein (p.Leu60Phe). The leucine residue is highly conserved and there is a small physicochemical difference between leucine and phenylalanine. This variant is present in population databases (rs527905700, ExAC 0.02%). This variant has not been reported in the literature in individuals with GAL-related disease. Algorithms developed to predict the effect of missense changes on protein structure and function output the following: SIFT: "Tolerated"; PolyPhen-2: "Benign"; Align-GVGD: "Class C0". The phenylalanine amino acid residue is found in multiple mammalian species, suggesting that this missense change does not adversely affect protein function. These predictions have not been confirmed by published functional studies and their clinical significance is uncertain. In summary, the available evidence is currently insufficient to determine the role of this variant in disease. Therefore, it has been classified as a Variant of Uncertain Significance.

NM_015973.5(GAL):c.178C>T (p.Leu60Phe)

Gene: GAL (galanin and GMAP prepropeptide; plus strand). Cytogenetic location: 11q13.2.
Variant type: single nucleotide variant.
Coding change: c.178C>T on transcript NM_015973.5 (MANE Select); coding-DNA position 178, C replaced by T.
Protein change: p.Leu60Phe; replaces leucine 60 with phenylalanine.
Molecular consequence: missense variant.
Genome position (GRCh38, 1-based): chr11:68,688,055, C>T. VCF-style: chr11-68688055-C-T. GRCh37 (hg19) VCF-style: chr11-68455523-C-T.
Other names: short protein forms L60F.
Identifiers: ClinVar variation 571157 (VCV000571157.5), dbSNP rs527905700, ClinGen allele CA6151472.